The following is an entry in ClinVar:

ClinVar aggregate classification (germline): Uncertain significance (0 of 4 stars; one submission).

Conditions:
ARFGEF1-related disorder. Also called: ARFGEF1-related condition.

Submission:

PreventionGenetics, part of Exact Sciences
Classification: Uncertain significance for ARFGEF1-related condition. Last evaluated: 2024-08-28. Review status: no assertion criteria provided. Collection method: clinical testing. Allele origin: germline.
Comment: The ARFGEF1 c.5212_5213delinsGC variant is predicted to result in an in-frame deletion and insertion. To our knowledge, this variant has not been reported in the literature or in a large population database, indicating this variant is rare. At this time, the clinical significance of this variant is uncertain due to the absence of conclusive functional and genetic evidence.

NM_006421.5(ARFGEF1):c.5212_5213delinsGC (p.Tyr1738Ala)

Gene: ARFGEF1 (ARF guanine nucleotide exchange factor 1; minus strand). Cytogenetic location: 8q13.2.
Variant type: Indel.
Coding change: c.5212_5213delinsGC on transcript NM_006421.5 (MANE Select); coding-DNA positions 5212 to 5213, TA replaced by GC.
Protein change: p.Tyr1738Ala; replaces tyrosine 1738 with alanine.
Molecular consequence: missense variant. On other transcripts: non-coding transcript variant (1).
Genome position (GRCh38, 1-based): chr8:67,201,521-67,201,522, TA replaced by GC on the plus strand (TA replaced by GC on the coding strand, the reverse complement: ARFGEF1 is on the minus strand). VCF-style: chr8-67201521-TA-GC. GRCh37 (hg19) VCF-style: chr8-68113756-TA-GC.
Other names: c.5212_5213delinsGC, p.Tyr1738Ala (NM_001413184.1, NM_001413187.1, NM_001413194.1); c.5194_5195delinsGC, p.Tyr1732Ala (NM_001413185.1, NM_001413186.1, NM_001413189.1); c.4612_4613delinsGC, p.Tyr1538Ala (NM_001413188.1, NM_001413197.1); c.5206_5207delinsGC, p.Tyr1736Ala (NM_001413190.1); c.5116_5117delinsGC, p.Tyr1706Ala (NM_001413191.1); c.5098_5099delinsGC, p.Tyr1700Ala (NM_001413192.1); c.4594_4595delinsGC, p.Tyr1532Ala (NM_001413193.1); c.3787_3788delinsGC, p.Tyr1263Ala (NM_001413196.1); short protein forms Y1263A, Y1532A, Y1538A, Y1700A, Y1706A, Y1732A, Y1736A, Y1738A.
Identifiers: ClinVar variation 3347233 (VCV003347233.1).
Genomic context (GRCh38, chr8:67,201,521, plus strand): 5'-TCTTACTTCAAAAGCCTCTGCTGGACCTCCTCCCAGGCACTAACGCGGCTCTCATCCATG[TA>GC]CATCCGGAAGAGAATGCGCAGCCCACAGGCCAGGCTGCTGGTCTCCTGCTTCAGAAGGTT-3'
Protein context (NP_006412.2, residues 1728-1748): ACGLRILFRM[Tyr1738Ala]MDESRVSAWE